The following is an entry in ClinVar:

ClinVar aggregate classification (germline): Uncertain significance (1 of 4 stars; one submission).

Conditions:
Autistic behavior. Identifiers: MedGen C0856975, HP:0000729.

Submission:

Diagnostics Services (NGS), CSIR - Centre For Cellular And Molecular Biology
Classification: Uncertain significance for Autistic behavior. Last evaluated: 2020-06-06. Review status: criteria provided, single submitter. Criteria: ACMG Guidelines, 2015. Collection method: clinical testing. Allele origin: unknown. Inheritance: Autosomal dominant inheritance. Affected: yes. Observed: 1 heterozygote.
Comment: The c.4174C>A variant is not present in publicly available population databases like 1000 Genomes, Exome Variant Server (EVS), Exome Aggregation Consortium (ExAC), Genome Aggregation Database (gnomAD) and dbSNP. The variant is not present in our in-house exome database. The variant was not reported to OMIM, Human Genome Mutation Database (HGMD) or ClinVar databases in any affected individuals. The variant is present in a highly conserved region and in-silico pathogenicity prediction programs like SIFT, PolyPhen-3, MutationTaster2, CADD etc. predicted this variant to be likely deleterious. There are currently no established functional studies present or reported with this variant. Due to lack of enough evidence the variant has classified as uncertain significance.

NM_005121.3(MED13):c.4174C>A (p.Leu1392Ile)

Gene: MED13 (mediator complex subunit 13; minus strand). Cytogenetic location: 17q23.2.
Variant type: single nucleotide variant.
Coding change: c.4174C>A on transcript NM_005121.3 (MANE Select); coding-DNA position 4174, C replaced by A.
Protein change: p.Leu1392Ile; replaces leucine 1392 with isoleucine.
Molecular consequence: missense variant.
Genome position (GRCh38, 1-based): chr17:61,968,052, G>T on the plus strand (C>A on the coding strand, the complement: MED13 is on the minus strand). VCF-style: chr17-61968052-G-T. GRCh37 (hg19) VCF-style: chr17-60045413-G-T.
Other names: short protein forms L1392I.
Identifiers: ClinVar variation 977920 (VCV000977920.5), dbSNP rs2080074570, ClinGen allele CA400498352.